The following is an entry in ClinVar:

NM_000399.5(EGR2):c.1076G>C (p.Arg359Pro)

Gene: EGR2 (early growth response 2; minus strand). Cytogenetic location: 10q21.3.
Variant type: single nucleotide variant.
Coding change: c.1076G>C on transcript NM_000399.5 (MANE Select); coding-DNA position 1076, G replaced by C.
Protein change: p.Arg359Pro; replaces arginine 359 with proline.
Molecular consequence: missense variant.
Genome position (GRCh38, 1-based): chr10:62,813,562, C>G on the plus strand (G>C on the coding strand, the complement: EGR2 is on the minus strand). VCF-style: chr10-62813562-C-G. GRCh37 (hg19) VCF-style: chr10-64573322-C-G.
Other names: c.1076G>C, p.Arg359Pro (NM_001136177.3, NM_001136178.2); c.926G>C, p.Arg309Pro (NM_001136179.3, NM_001321037.2); c.1115G>C, p.Arg372Pro (NM_001410931.1); short protein forms R309P, R359P, R372P.
Identifiers: ClinVar variation 5020065 (VCV005020065.1).

ClinVar aggregate classification (germline): Likely pathogenic (1 of 4 stars; one submission).

Conditions:
Charcot-Marie-Tooth disease type 1D. Also called: CHARCOT-MARIE-TOOTH NEUROPATHY, TYPE 1D; HEREDITARY MOTOR AND SENSORY NEUROPATHY 1D; HMSN ID; Charcot-Marie-Tooth disease, demyelinating, type 1d. Identifiers: Orphanet 101084, MedGen C1843247, MONDO:0011890, OMIM 607678.

Submission:

Clinical Genetics Laboratory, Skane University Hospital Lund
Classification: Likely pathogenic for Charcot-Marie-Tooth disease type 1D. Last evaluated: 2026-10-16. Review status: criteria provided, single submitter. Criteria: ACMG Guidelines, 2015. Collection method: clinical testing. Allele origin: germline. Inheritance: Autosomal dominant inheritance. Affected: yes.
Comment: EGR2 (NM_000399.5) c.1076G>C, p.(Arg359Pro) is a nucleotide substitution in exon 2 of 2, resulting in the amino acid substitution indicated above. EGR2 c.1076G>C is absent from population databases and has not previously been reported in ClinVar or in the literature. The variant is not predicted to be deleterious by in silico algorithms; however, it is located within the functional zinc finger domain ZnF1, which spans amino acids 340–364 of the EGR2 protein (PMID: 37306961). Two other amino acid substitutions at the same position (p.Arg359Trp and p.Arg359Gln) have been reported as pathogenic in ClinVar (accessions VCV000016752.21 and VCV000041007.9, respectively). The variant has been classified as likely pathogenic based on the following ACMG criteria: PM1, PM2, PM5, PP1.